The following is an entry in ClinVar:

NM_014425.5(INVS):c.2340T>A (p.His780Gln)

Gene: INVS (inversin; plus strand). Cytogenetic location: 9q31.1.
Variant type: single nucleotide variant.
Coding change: c.2340T>A on transcript NM_014425.5 (MANE Select); coding-DNA position 2340, T replaced by A.
Protein change: p.His780Gln; replaces histidine 780 with glutamine.
Molecular consequence: missense variant. On other transcripts: non-coding transcript variant (1).
Genome position (GRCh38, 1-based): chr9:100,292,597, T>A. VCF-style: chr9-100292597-T-A. GRCh37 (hg19) VCF-style: chr9-103054879-T-A.
Other names: c.2052T>A, p.His684Gln (NM_001318381.2); c.1362T>A, p.His454Gln (NM_001318382.2); c.2340T>A (NM_014425.2); short protein forms H454Q, H780Q, H684Q.
Identifiers: ClinVar variation 1899015 (VCV001899015.3), dbSNP rs746200097, ClinGen allele CA5158604.

ClinVar aggregate classification (germline): Conflicting classifications of pathogenicity. Review status: criteria provided, conflicting classifications (1 of 4 stars). 2 submissions from 2 submitters: Uncertain significance (1); Likely benign (1). Last evaluated 2024-09-18.

Conditions:
Nephronophthisis. Also called: Juvenile Nephronophthisis. Identifiers: Orphanet 655, MedGen C0687120, MONDO:0019005, HP:0000090.
Inborn genetic diseases. Identifiers: MedGen C0950123, MeSH D030342.

Allele frequency attached by ClinVar (database versions not stated): gnomAD exomes 0.00001; TOPMed 0.00001; ExAC 0.00005.
gnomAD v4.1: 13 of 1,614,096 alleles (0.00081%); highest among the groups gnomAD compares: Non-Finnish European, 0.001%; no homozygotes.

Submissions (2):

Ambry Genetics
Classification: Likely benign for Inborn genetic diseases. Last evaluated: 2024-09-18. Review status: criteria provided, single submitter. Criteria: Ambry Variant Classification Scheme 2023. Collection method: clinical testing. Allele origin: germline.

Labcorp Genetics (formerly Invitae), Labcorp
Classification: Uncertain significance for Nephronophthisis. Last evaluated: 2022-07-03. Review status: criteria provided, single submitter. Criteria: Invitae Variant Classification Sherloc (09022015). Collection method: clinical testing. Allele origin: germline.
Comment: This sequence change replaces histidine, which is basic and polar, with glutamine, which is neutral and polar, at codon 780 of the INVS protein (p.His780Gln). This variant is present in population databases (rs746200097, gnomAD 0.006%). This variant has not been reported in the literature in individuals affected with INVS-related conditions. Algorithms developed to predict the effect of missense changes on protein structure and function output the following: SIFT: "Tolerated"; PolyPhen-2: "Benign"; Align-GVGD: "Class C0". The glutamine amino acid residue is found in multiple mammalian species, which suggests that this missense change does not adversely affect protein function. In summary, the available evidence is currently insufficient to determine the role of this variant in disease. Therefore, it has been classified as a Variant of Uncertain Significance.